The following is an entry in ClinVar:

ClinVar aggregate classification (germline): Uncertain significance (1 of 4 stars; one submission).

Allele frequency attached by ClinVar (database versions not stated): gnomAD 0.00001; gnomAD exomes 0.00001; TOPMed 0.00001.
gnomAD v4.1: 7 of 1,372,798 alleles (0.00051%); highest among the groups gnomAD compares: Admixed American, 0.0036%; no homozygotes.

Submission:

Labcorp Genetics (formerly Invitae), Labcorp
Classification: Uncertain significance. Last evaluated: 2022-05-16. Review status: criteria provided, single submitter. Criteria: Invitae Variant Classification Sherloc (09022015). Collection method: clinical testing. Allele origin: germline.
Comment: This sequence change replaces valine, which is neutral and non-polar, with methionine, which is neutral and non-polar, at codon 90 of the CTDP1 protein (p.Val90Met). This variant is not present in population databases (gnomAD no frequency). This variant has not been reported in the literature in individuals affected with CTDP1-related conditions. Algorithms developed to predict the effect of missense changes on protein structure and function are either unavailable or do not agree on the potential impact of this missense change (SIFT: "Tolerated"; PolyPhen-2: "Possibly Damaging"; Align-GVGD: "Class C0"). In summary, the available evidence is currently insufficient to determine the role of this variant in disease. Therefore, it has been classified as a Variant of Uncertain Significance.

NM_004715.5(CTDP1):c.268G>A (p.Val90Met)

Gene: CTDP1 (CTD phosphatase subunit 1; plus strand). Cytogenetic location: 18q23.
Variant type: single nucleotide variant.
Coding change: c.268G>A on transcript NM_004715.5 (MANE Select); coding-DNA position 268, G replaced by A.
Protein change: p.Val90Met; replaces valine 90 with methionine.
Molecular consequence: missense variant.
Genome position (GRCh38, 1-based): chr18:79,680,215, G>A. VCF-style: chr18-79680215-G-A. GRCh37 (hg19) VCF-style: chr18-77440215-G-A.
Other names: c.268G>A, p.Val90Met (NM_001318511.2, NM_048368.4); short protein forms V90M.
Identifiers: ClinVar variation 2194882 (VCV002194882.1), dbSNP rs1247457274, ClinGen allele CA402825288.